The following is an entry in ClinVar:

ClinVar aggregate classification (germline): Likely benign (1 of 4 stars; one submission).

Conditions:
Triosephosphate isomerase deficiency (TPID). Also called: Triose phosphate isomerase deficiency. Identifiers: Orphanet 868, MedGen C1860808, MONDO:0014221, OMIM 615512.

Allele frequency attached by ClinVar (database versions not stated): ExAC 0.00064; gnomAD exomes 0.00243; TOPMed 0.00891; 1000 Genomes Project 0.00978; 1000 Genomes Project 30x 0.01062.
gnomAD v4.1: 2,076 of 667,298 alleles (0.31%); highest among the groups gnomAD compares: African/African-American, 2.4%; 18 homozygotes.

Submission:

Illumina Laboratory Services, Illumina
Classification: Likely benign for Triosephosphate isomerase deficiency. Last evaluated: 2018-01-13. Review status: criteria provided, single submitter. Criteria: ICSL Variant Classification Criteria 13 December 2019. Collection method: clinical testing. Allele origin: germline.
Comment: This variant was observed in the ICSL laboratory as part of a predisposition screen in an ostensibly healthy population. It had not been previously curated by ICSL or reported in the Human Gene Mutation Database (HGMD: prior to June 1st, 2018), and was therefore a candidate for classification through an automated scoring system. Utilizing variant allele frequency, disease prevalence and penetrance estimates, and inheritance mode, an automated score was calculated to assess if this variant is too frequent to cause the disease. Based on the score and internal cut-off values, a variant classified as likely benign is not then subjected to further curation. The score for this variant resulted in a classification of likely benign for this disease.

NM_000365.6(TPI1):c.*549A>G

Gene: TPI1 (triosephosphate isomerase 1; plus strand). Cytogenetic location: 12p13.31.
Variant type: single nucleotide variant.
Coding change: c.*549A>G on transcript NM_000365.6 (MANE Select); 549 bases downstream of the stop codon, A replaced by G.
Molecular consequence: 3 prime UTR variant.
Genome position (GRCh38, 1-based): chr12:6,870,932, A>G. VCF-style: chr12-6870932-A-G. GRCh37 (hg19) VCF-style: chr12-6980096-A-G.
Other names: c.*549A>G (NM_001159287.1, NM_001258026.2).
Identifiers: ClinVar variation 881467 (VCV000881467.4), dbSNP rs114310136, ClinGen allele CA6419145.